The following is an entry in ClinVar:

ClinVar aggregate classification (germline): Uncertain significance (1 of 4 stars; one submission).

gnomAD v4.1: 1 of 1,571,048 alleles (0.000064%); no homozygotes.

Submission:

Dasa
Classification: Uncertain significance. Last evaluated: 2025-11-07. Review status: criteria provided, single submitter. Criteria: DASA Assertion Criteria. Collection method: clinical testing. Allele origin: germline.
Comment: NM_003482.4(KMT2D):c.7438A>G (p.Lys2480Glu) is a missense variant that results in the substitution of lysine with glutamic acid. This variant is rare in population databases. The currently available literature and clinical evidence are not sufficient to establish a definitive association between this variant and the reported condition. Therefore, this variant is classified as a variant of uncertain significance.

NM_003482.4(KMT2D):c.7438A>G (p.Lys2480Glu)

Gene: KMT2D (lysine methyltransferase 2D; minus strand). Cytogenetic location: 12q13.12.
Variant type: single nucleotide variant.
Coding change: c.7438A>G on transcript NM_003482.4 (MANE Select); coding-DNA position 7438, A replaced by G.
Protein change: p.Lys2480Glu; replaces lysine 2480 with glutamic acid.
Molecular consequence: missense variant.
Genome position (GRCh38, 1-based): chr12:49,040,332, T>C on the plus strand (A>G on the coding strand, the complement: KMT2D is on the minus strand). VCF-style: chr12-49040332-T-C. GRCh37 (hg19) VCF-style: chr12-49434115-T-C.
Other names: short protein forms K2480E.
Identifiers: ClinVar variation 5020807 (VCV005020807.1).